The following is an entry in ClinVar:

ClinVar aggregate classification (germline): Uncertain significance (1 of 4 stars; one submission).

Submission:

Ambry Genetics
Classification: Uncertain significance. Last evaluated: 2025-03-10. Review status: criteria provided, single submitter. Criteria: Ambry Variant Classification Scheme 2023. Collection method: clinical testing. Allele origin: germline.
Comment: The p.C1040Y variant (also known as c.3119G>A), located in coding exon 1 of the MLH3 gene, results from a G to A substitution at nucleotide position 3119. The cysteine at codon 1040 is replaced by tyrosine, an amino acid with highly dissimilar properties. This amino acid position is conserved. In addition, this alteration is predicted to be tolerated by in silico analysis. Based on the available evidence, the clinical significance of this variant remains unclear.

NM_001040108.2(MLH3):c.3119G>A (p.Cys1040Tyr)

Gene: MLH3 (mutL homolog 3; minus strand). Cytogenetic location: 14q24.3.
Variant type: single nucleotide variant.
Coding change: c.3119G>A on transcript NM_001040108.2 (MANE Select); coding-DNA position 3119, G replaced by A.
Protein change: p.Cys1040Tyr; replaces cysteine 1040 with tyrosine.
Molecular consequence: missense variant.
Genome position (GRCh38, 1-based): chr14:75,046,537, C>T on the plus strand (G>A on the coding strand, the complement: MLH3 is on the minus strand). VCF-style: chr14-75046537-C-T. GRCh37 (hg19) VCF-style: chr14-75513240-C-T.
Other names: c.3119G>A, p.Cys1040Tyr (NM_014381.3); short protein forms C1040Y.
Identifiers: ClinVar variation 3873544 (VCV003873544.1).